The following is an entry in ClinVar:

ClinVar aggregate classification (germline): Benign/Likely benign. Review status: criteria provided, multiple submitters, no conflicts (2 of 4 stars). 3 submissions from 3 submitters: Benign (1); Likely benign (2). Last evaluated 2025-03-31.

Conditions:
Peutz-Jeghers syndrome (PJS). Also called: Peutz-Jeghers polyposis; Periorificial lentiginosis syndrome; POLYPOSIS, HAMARTOMATOUS INTESTINAL; POLYPS-AND-SPOTS SYNDROME. Identifiers: Orphanet 2869, MedGen C0031269, MeSH D010580, MONDO:0008280, OMIM 175200.
Hereditary cancer-predisposing syndrome. Also called: Hereditary neoplastic syndrome; Hereditary Cancer Syndrome; Neoplastic Syndromes, Hereditary; Tumor predisposition. Identifiers: Orphanet 140162, MedGen C0027672, MeSH D009386, MONDO:0015356.

Submissions (3):

Myriad Genetics, Inc.
Classification: Benign for Peutz-Jeghers syndrome. Last evaluated: 2025-03-31. Review status: criteria provided, single submitter. Criteria: Myriad Autosomal Dominant, Autosomal Recessive and X-Linked Classification Criteria (2023). Collection method: clinical testing. Allele origin: unknown.
Comment: This variant is considered benign. This variant is a silent/synonymous amino acid change and it is not expected to impact splicing.

Labcorp Genetics (formerly Invitae), Labcorp
Classification: Likely benign for Peutz-Jeghers syndrome. Last evaluated: 2025-02-17. Review status: criteria provided, single submitter. Criteria: Invitae Variant Classification Sherloc (09022015). Collection method: clinical testing. Allele origin: germline.

Ambry Genetics
Classification: Likely benign for Hereditary cancer-predisposing syndrome. Last evaluated: 2021-06-07. Review status: criteria provided, single submitter. Criteria: Ambry Variant Classification Scheme 2023. Collection method: clinical testing. Allele origin: germline.

NM_000455.5(STK11):c.1272C>T (p.Ile424=)

Gene: STK11 (serine/threonine kinase 11; plus strand). Cytogenetic location: 19p13.3.
Variant type: single nucleotide variant.
Coding change: c.1272C>T on transcript NM_000455.5 (MANE Select); coding-DNA position 1272, C replaced by T.
Protein change: p.Ile424=; no amino-acid change (isoleucine 424 retained).
Molecular consequence: synonymous variant.
Genome position (GRCh38, 1-based): chr19:1,226,617, C>T. VCF-style: chr19-1226617-C-T. GRCh37 (hg19) VCF-style: chr19-1226616-C-T.
Identifiers: ClinVar variation 1609645 (VCV001609645.11), dbSNP rs2145436544, ClinGen allele CA504708550.